The following is an entry in ClinVar:

ClinVar aggregate classification (germline): Likely benign (0 of 4 stars; one submission).

Conditions:
CCDC22-related disorder. Also called: CCDC22-related condition.

Allele frequency attached by ClinVar (database versions not stated): gnomAD exomes 0.00009; ExAC 0.00020; gnomAD 0.00037; TOPMed 0.00046; ESP Exome Variant Server 0.00049; 1000 Genomes Project 0.00079; 1000 Genomes Project 30x 0.00083.

Submission:

PreventionGenetics, part of Exact Sciences
Classification: Likely benign for CCDC22-related condition. Last evaluated: 2023-07-30. Review status: no assertion criteria provided. Collection method: clinical testing. Allele origin: germline.
Comment: This variant is classified as likely benign based on ACMG/AMP sequence variant interpretation guidelines (Richards et al. 2015 PMID: 25741868, with internal and published modifications).

NM_014008.5(CCDC22):c.1819C>T (p.Arg607Trp)

Gene: CCDC22 (CCC complex scaffolding subunit CCDC22; plus strand). Cytogenetic location: Xp11.23.
Variant type: single nucleotide variant.
Coding change: c.1819C>T on transcript NM_014008.5 (MANE Select); coding-DNA position 1819, C replaced by T.
Protein change: p.Arg607Trp; replaces arginine 607 with tryptophan.
Molecular consequence: missense variant.
Genome position (GRCh38, 1-based): chrX:49,250,196, C>T. VCF-style: chrX-49250196-C-T. GRCh37 (hg19) VCF-style: chrX-49106657-C-T.
Other names: short protein forms R607W.
Identifiers: ClinVar variation 3046839 (VCV003046839.2), dbSNP rs139328507, ClinGen allele CA10411618.